The following is an entry in ClinVar:

NM_001330260.2(SCN8A):c.2617G>A (p.Gly873Ser)

Gene: SCN8A (sodium voltage-gated channel alpha subunit 8; plus strand). Cytogenetic location: 12q13.13.
Variant type: single nucleotide variant.
Coding change: c.2617G>A on transcript NM_001330260.2 (MANE Select); coding-DNA position 2617, G replaced by A.
Protein change: p.Gly873Ser; replaces glycine 873 with serine.
Molecular consequence: missense variant.
Genome position (GRCh38, 1-based): chr12:51,765,743, G>A. VCF-style: chr12-51765743-G-A. GRCh37 (hg19) VCF-style: chr12-52159527-G-A.
Other names: c.2617G>A, p.Gly873Ser (NM_001177984.3, NM_001369788.1, NM_014191.4); short protein forms G873S.
Identifiers: ClinVar variation 1005108 (VCV001005108.9), dbSNP rs1942828530, ClinGen allele CA384887190.
Genomic context (GRCh38, chr12:51,765,743, plus strand): 5'-AAATTGGCCAAATCCTGGCCCACCCTGAACATGCTAATCAAGATTATTGGAAATTCAGTG[G>A]GTGCCCTGGGCAACCTGACACTGGTGCTGGCCATTATTGTCTTCATCTTTGCCGTGGTGG-3'
Protein context (NP_001317189.1, residues 863-883): MLIKIIGNSV[Gly873Ser]ALGNLTLVLA

ClinVar aggregate classification (germline): Pathogenic (1 of 4 stars; one submission).

Conditions:
Early-infantile DEE. Also called: Ohtahara syndrome; Early infantile epileptic encephalopathy with suppression bursts; Early infantile epileptic encephalopathy. Identifiers: Orphanet 1934, MedGen C0393706, MONDO:0800491.

Submission:

Labcorp Genetics (formerly Invitae), Labcorp
Classification: Pathogenic for Early-infantile DEE. Last evaluated: 2025-06-24. Review status: criteria provided, single submitter. Criteria: Invitae Variant Classification Sherloc (09022015). Collection method: clinical testing. Allele origin: germline.
Comment: This sequence change replaces glycine, which is neutral and non-polar, with serine, which is neutral and polar, at codon 873 of the SCN8A protein (p.Gly873Ser). This variant is not present in population databases (gnomAD no frequency). This missense change has been observed in individual(s) with clinical features of SCN8A-related conditions (internal data). In at least one individual the variant was observed to be de novo. ClinVar contains an entry for this variant (Variation ID: 1005108). Invitae Evidence Modeling of protein sequence and biophysical properties (such as structural, functional, and spatial information, amino acid conservation, physicochemical variation, residue mobility, and thermodynamic stability) indicates that this missense variant is expected to disrupt SCN8A protein function with a positive predictive value of 95%. For these reasons, this variant has been classified as Pathogenic.